The following is an entry in ClinVar:

NM_007294.4(BRCA1):c.5383C>G (p.Leu1795Val)

Gene: BRCA1 (BRCA1 DNA repair associated; minus strand). Cytogenetic location: 17q21.31.
Variant type: single nucleotide variant.
Coding change: c.5383C>G on transcript NM_007294.4 (MANE Select); coding-DNA position 5383, C replaced by G.
Protein change: p.Leu1795Val; replaces leucine 1795 with valine.
Molecular consequence: missense variant. On other transcripts: non-coding transcript variant (1), intron variant (1).
Genome position (GRCh38, 1-based): chr17:43,049,144, G>C on the plus strand (C>G on the coding strand, the complement: BRCA1 is on the minus strand). VCF-style: chr17-43049144-G-C. GRCh37 (hg19) VCF-style: chr17-41201161-G-C.
Other names: c.5047C>G, p.Leu1683Val (NM_001407952.1, NM_001407953.1, NM_001407954.1 and 3 more transcripts); c.5044C>G, p.Leu1682Val (NM_001407956.1, NM_001407957.1, NM_001407958.1); c.5002C>G, p.Leu1668Val (NM_001407959.1); c.4999C>G, p.Leu1667Val (NM_001407960.1, NM_001407962.1); c.2137C>G, p.Leu713Val (NM_001407972.1); c.2074C>G, p.Leu692Val (NM_001407973.1, NM_001407974.1, NM_001407975.1 and 3 more transcripts); c.2071C>G, p.Leu691Val (NM_001407979.1, NM_001407980.1, NM_001407981.1 and 11 more transcripts); c.5170C>G, p.Leu1724Val (NM_001407571.1, NM_001407894.1, NM_001407895.1 and 12 more transcripts); and 73 more; short protein forms L1748V, L1795V, L1816V, L691V, L1641V, L1683V, L1706V, L1707V.
Identifiers: ClinVar variation 868039 (VCV000868039.3), dbSNP rs878854958, ClinGen allele CA10590707.

Conditions:
Breast-ovarian cancer, familial, susceptibility to, 1 (BROVCA1). Also called: BRCA1 Hereditary Breast and Ovarian Cancer; OVARIAN CANCER, SUSCEPTIBILITY TO. Identifiers: Orphanet 145, MedGen C2676676, MONDO:0011450, OMIM 604370. Disease mechanism: loss of function.

Submission:

Brotman Baty Institute, University of Washington
No classification provided (evidence only). Condition: Breast-ovarian cancer, familial 1. Review status: no classification provided. Collection method: in vitro. Allele origin: not applicable. Functional consequence: functionally_normal.
ClinVar note: "not provided" was previously submitted as the classification for the variant. However, the classification appeared to be based only on an observation of functional data so it was converted to no classification on 2025-07-30.